The following is an entry in ClinVar:

ClinVar aggregate classification (germline): Uncertain significance (1 of 4 stars; one submission).

Conditions:
Hereditary cancer-predisposing syndrome. Also called: Neoplastic Syndromes, Hereditary; Tumor predisposition; Hereditary neoplastic syndrome; Hereditary Cancer Syndrome. Identifiers: Orphanet 140162, MedGen C0027672, MeSH D009386, MONDO:0015356.

gnomAD v4.1: 2 of 1,614,158 alleles (0.00012%); highest among the groups gnomAD compares: Non-Finnish European, 0.00017%; no homozygotes.

Submission:

Ambry Genetics
Classification: Uncertain significance for Hereditary cancer-predisposing syndrome. Last evaluated: 2026-07-18. Review status: criteria provided, single submitter. Criteria: Ambry Variant Classification Scheme 2023. Collection method: clinical testing. Allele origin: germline.
Comment: The p.D723Y variant (also known as c.2167G>T), located in coding exon 8 of the AXIN2 gene, results from a G to T substitution at nucleotide position 2167. The aspartic acid at codon 723 is replaced by tyrosine, an amino acid with highly dissimilar properties. This amino acid position is conserved. In addition, this alteration is predicted to be deleterious by in silico analysis. Based on the available evidence, the clinical significance of this variant remains unclear.

NM_004655.4(AXIN2):c.2167G>T (p.Asp723Tyr)

Gene: AXIN2 (axin 2; minus strand). Cytogenetic location: 17q24.1.
Variant type: single nucleotide variant.
Coding change: c.2167G>T on transcript NM_004655.4 (MANE Select); coding-DNA position 2167, G replaced by T.
Protein change: p.Asp723Tyr; replaces aspartic acid 723 with tyrosine.
Molecular consequence: missense variant.
Genome position (GRCh38, 1-based): chr17:65,535,696, C>A on the plus strand (G>T on the coding strand, the complement: AXIN2 is on the minus strand). VCF-style: chr17-65535696-C-A. GRCh37 (hg19) VCF-style: chr17-63531814-C-A.
Other names: c.1972G>T, p.Asp658Tyr (NM_001363813.1); short protein forms D723Y, D658Y.
Identifiers: ClinVar variation 5032663 (VCV005032663.1).